The following is an entry in ClinVar:

NM_001267550.2(TTN):c.100238G>A (p.Trp33413Ter)

Genes: TTN (titin; minus strand), TTN-AS1 (TTN antisense RNA 1; plus strand), LOC126806420 (BRD4-independent group 4 enhancer GRCh37_chr2:179401104-179402303; plus strand). Cytogenetic location: 2q31.2.
Variant type: single nucleotide variant.
Coding change: c.100238G>A on transcript NM_001267550.2 (MANE Select); coding-DNA position 100238, G replaced by A.
Protein change: p.Trp33413Ter; replaces tryptophan 33413 with a stop codon.
Molecular consequence: nonsense.
Genome position (GRCh38, 1-based): chr2:178,536,509, C>T on the plus strand (G>A on the coding strand, the complement: TTN is on the minus strand). VCF-style: chr2-178536509-C-T. GRCh37 (hg19) VCF-style: chr2-179401236-C-T.
Other names: c.95315G>A, p.Trp31772Ter (NM_001256850.1); c.73043G>A, p.Trp24348Ter (NM_003319.4); c.92534G>A, p.Trp30845Ter (NM_133378.4); c.73418G>A, p.Trp24473Ter (NM_133432.3); c.73619G>A, p.Trp24540Ter (NM_133437.4); short protein forms W24348*, W24540*, W30845*, W33413*, W24473*, W31772*.
Identifiers: ClinVar variation 4784437 (VCV004784437.1).

ClinVar aggregate classification (germline): Likely pathogenic (1 of 4 stars; one submission).

Conditions:
Dilated cardiomyopathy 1G (CMD1G). Identifiers: Orphanet 154, MedGen C1858763, MONDO:0011400, OMIM 604145.
Autosomal recessive limb-girdle muscular dystrophy type 2J (LGMDR10). Also called: Limb-girdle muscular dystrophy, type 2J; MUSCULAR DYSTROPHY, LIMB-GIRDLE, AUTOSOMAL RECESSIVE 10. Identifiers: Orphanet 140922, MedGen C1837342, MONDO:0012127, OMIM 608807.

Submission:

Labcorp Genetics (formerly Invitae), Labcorp
Classification: Likely pathogenic for Dilated cardiomyopathy 1G; Autosomal recessive limb-girdle muscular dystrophy type 2J. Last evaluated: 2025-03-14. Review status: criteria provided, single submitter. Criteria: Invitae Variant Classification Sherloc (09022015). Collection method: clinical testing. Allele origin: germline.
Comment: This sequence change creates a premature translational stop signal (p.Trp33413*) in the TTN gene. While this is not anticipated to result in nonsense mediated decay, it is expected to create a truncated TTN protein. This variant is not present in population databases (gnomAD no frequency). This variant has not been reported in the literature in individuals affected with TTN-related conditions. This variant is located in the A band of TTN (PMID: 25589632). Truncating variants in this region are significantly overrepresented in patients affected with dilated cardiomyopathy (PMID: 25589632). Truncating variants in this region have also been reported in individuals affected with autosomal recessive centronuclear myopathy (PMID: 23975875). In summary, the currently available evidence indicates that the variant is pathogenic, but additional data are needed to prove that conclusively. Therefore, this variant has been classified as Likely Pathogenic.

Literature cited by the submitters: PubMed 25589632; PubMed 23975875.